The following is an entry in ClinVar:

ClinVar aggregate classification (germline): Uncertain significance (1 of 4 stars; one submission).

Allele frequency attached by ClinVar (database versions not stated): gnomAD 0.00003; TOPMed 0.00001.
gnomAD v4.1: 28 of 1,598,202 alleles (0.0018%); highest among the groups gnomAD compares: Middle Eastern, 0.017%; no homozygotes.

Submission:

Labcorp Genetics (formerly Invitae), Labcorp
Classification: Uncertain significance. Last evaluated: 2022-06-20. Review status: criteria provided, single submitter. Criteria: Invitae Variant Classification Sherloc (09022015). Collection method: clinical testing. Allele origin: germline.
Comment: This sequence change replaces valine, which is neutral and non-polar, with methionine, which is neutral and non-polar, at codon 1191 of the TUBGCP6 protein (p.Val1191Met). This variant is present in population databases (rs756429894, gnomAD 0.01%). This variant has not been reported in the literature in individuals affected with TUBGCP6-related conditions. ClinVar contains an entry for this variant (Variation ID: 1054390). Algorithms developed to predict the effect of missense changes on protein structure and function output the following: SIFT: "Deleterious"; PolyPhen-2: "Probably Damaging"; Align-GVGD: "Class C0". The methionine amino acid residue is found in multiple mammalian species, which suggests that this missense change does not adversely affect protein function. In summary, the available evidence is currently insufficient to determine the role of this variant in disease. Therefore, it has been classified as a Variant of Uncertain Significance.

NM_020461.4(TUBGCP6):c.3571G>A (p.Val1191Met)

Gene: TUBGCP6 (tubulin gamma complex component 6; minus strand). Cytogenetic location: 22q13.33.
Variant type: single nucleotide variant.
Coding change: c.3571G>A on transcript NM_020461.4 (MANE Select); coding-DNA position 3571, G replaced by A.
Protein change: p.Val1191Met; replaces valine 1191 with methionine.
Molecular consequence: missense variant.
Genome position (GRCh38, 1-based): chr22:50,220,788, C>T on the plus strand (G>A on the coding strand, the complement: TUBGCP6 is on the minus strand). VCF-style: chr22-50220788-C-T. GRCh37 (hg19) VCF-style: chr22-50659217-C-T.
Other names: short protein forms V1191M.
Identifiers: ClinVar variation 1054390 (VCV001054390.7), dbSNP rs756429894, ClinGen allele CA10307903.